The following is an entry in ClinVar:

NM_001370259.2(MEN1):c.1637C>A (p.Pro546Gln)

Gene: MEN1 (menin 1; minus strand). Cytogenetic location: 11q13.1.
Variant type: single nucleotide variant.
Coding change: c.1637C>A on transcript NM_001370259.2 (MANE Select); coding-DNA position 1637, C replaced by A.
Protein change: p.Pro546Gln; replaces proline 546 with glutamine.
Molecular consequence: missense variant. On other transcripts: non-coding transcript variant (4).
Genome position (GRCh38, 1-based): chr11:64,804,530, G>T on the plus strand (C>A on the coding strand, the complement: MEN1 is on the minus strand). VCF-style: chr11-64804530-G-T. GRCh37 (hg19) VCF-style: chr11-64572002-G-T.
Other names: c.1763C>A, p.Pro588Gln (NM_001407144.1, NM_001370251.2, NM_001407142.1 and 1 more transcripts); c.1652C>A, p.Pro551Gln (NM_001407145.1, NM_000244.4, NM_130800.3 and 4 more transcripts); c.1637C>A, p.Pro546Gln (NM_001407146.1, NM_001407147.1, NM_001370260.2 and 2 more transcripts); c.1532C>A, p.Pro511Gln (NM_001407148.1, NM_001407149.1, NM_001370262.2 and 1 more transcripts); c.1778C>A, p.Pro593Gln (NM_001407150.1); c.1658C>A, p.Pro553Gln (NM_001407151.1); c.1472C>A, p.Pro491Gln (NM_001407152.1); short protein forms P491Q, P511Q, P546Q, P551Q, P553Q, P588Q, P593Q.
Identifiers: ClinVar variation 3229074 (VCV003229074.4), dbSNP rs779413959, ClinGen allele CA060867.

ClinVar aggregate classification (germline): Uncertain significance. Review status: criteria provided, multiple submitters, no conflicts (2 of 4 stars). 3 submissions from 3 submitters: Uncertain significance (3). Last evaluated 2024-09-23.

Conditions:
Multiple endocrine neoplasia, type 1 (MEN1). Also called: WERMER SYNDROME; Endocrine adenomatosis multiple; MEN 1; MEN I; MEA I. Identifiers: Orphanet 652, MedGen C0025267, MeSH D018761, MONDO:0007540, OMIM 131100.
Hereditary cancer-predisposing syndrome. Also called: Hereditary Cancer Syndrome; Tumor predisposition; Neoplastic Syndromes, Hereditary; Hereditary neoplastic syndrome. Identifiers: Orphanet 140162, MedGen C0027672, MeSH D009386, MONDO:0015356.

Allele frequency attached by ClinVar (database versions not stated): gnomAD exomes below 0.00001; ExAC 0.00001.
gnomAD v4.1: 1 of 1,614,000 alleles (0.000062%); highest among the groups gnomAD compares: Admixed American, 0.0017%; no homozygotes.

Submissions (3):

All of Us Research Program, National Institutes of Health
Classification: Uncertain significance for Multiple endocrine neoplasia, type 1. Last evaluated: 2024-09-23. Review status: criteria provided, single submitter. Criteria: ACMG Guidelines, 2015. Collection method: clinical testing. Allele origin: germline. Inheritance: Autosomal dominant inheritance. Observed: 1 variant allele, 1 heterozygote.
Comment: This study involves interpretation of variants in research participants for the purpose of population health screening. Participant phenotype was not available at the time of variant classification. Additional details can be found in publication PMID: 35346344, PMCID: PMC8962531

Labcorp Genetics (formerly Invitae), Labcorp
Classification: Uncertain significance for Multiple endocrine neoplasia, type 1. Last evaluated: 2024-07-30. Review status: criteria provided, single submitter. Criteria: Invitae Variant Classification Sherloc (09022015). Collection method: clinical testing. Allele origin: germline.
Comment: This sequence change replaces proline, which is neutral and non-polar, with glutamine, which is neutral and polar, at codon 546 of the MEN1 protein (p.Pro546Gln). This variant is present in population databases (rs779413959, gnomAD 0.003%). This variant has not been reported in the literature in individuals affected with MEN1-related conditions. Advanced modeling of protein sequence and biophysical properties (such as structural, functional, and spatial information, amino acid conservation, physicochemical variation, residue mobility, and thermodynamic stability) has been performed at Invitae for this missense variant, however the output from this modeling did not meet the statistical confidence thresholds required to predict the impact of this variant on MEN1 protein function. In summary, the available evidence is currently insufficient to determine the role of this variant in disease. Therefore, it has been classified as a Variant of Uncertain Significance.

Ambry Genetics
Classification: Uncertain significance for Hereditary cancer-predisposing syndrome. Last evaluated: 2023-12-14. Review status: criteria provided, single submitter. Criteria: Ambry Variant Classification Scheme 2023. Collection method: clinical testing. Allele origin: germline.
Comment: The p.P546Q variant (also known as c.1637C>A), located in coding exon 9 of the MEN1 gene, results from a C to A substitution at nucleotide position 1637. The proline at codon 546 is replaced by glutamine, an amino acid with similar properties. This amino acid position is conserved. In addition, the in silico prediction for this alteration is inconclusive. Since supporting evidence is limited at this time, the clinical significance of this alteration remains unclear.